The following is an entry in ClinVar:

NM_000500.9(CYP21A2):c.1444C>T (p.Gln482Ter)

Genes: CYP21A2 (cytochrome P450 family 21 subfamily A member 2; plus strand), LOC106780800 (CYP21A2 recombination region; plus strand). Cytogenetic location: 6p21.33.
Variant type: single nucleotide variant.
Coding change: c.1444C>T on transcript NM_000500.9 (MANE Select); coding-DNA position 1444, C replaced by T.
Protein change: p.Gln482Ter; replaces glutamine 482 with a stop codon.
Molecular consequence: nonsense.
Genome position (GRCh38, 1-based): chr6:32,041,090, C>T. VCF-style: chr6-32041090-C-T. GRCh37 (hg19) VCF-style: chr6-32008867-C-T.
Other names: c.1444C>T (NM_000500.7); c.1354C>T, p.Gln452Ter (NM_001128590.4); c.1039C>T, p.Gln347Ter (NM_001368143.2, NM_001368144.2); short protein forms Q347*, Q452*, Q482*.
Identifiers: ClinVar variation 988506 (VCV000988506.2), dbSNP rs1776323909, ClinGen allele CA363512692.
Genomic context (GRCh38, chr6:32,041,090, plus strand): 5'-CTGCAGCCCCTGCCCCACTGCAGTGTCATCCTCAAGATGCAGCCTTTCCAAGTGCGGCTG[C>T]AGCCCCGGGGGATGGGGGCCCACAGCCCGGGCCAGAGCCAGTGATGGGGCAGGACCGATG-3'

ClinVar aggregate classification (germline): Pathogenic/Likely pathogenic. Review status: criteria provided, multiple submitters, no conflicts (2 of 4 stars). 2 submissions from 2 submitters: Pathogenic (1); Likely pathogenic (1). Last evaluated 2025-06-18.

Submissions (2):

Athena Diagnostics
Classification: Pathogenic. Last evaluated: 2025-06-18. Review status: criteria provided, single submitter. Criteria: Athena Diagnostics Criteria. Collection method: clinical testing. Allele origin: unknown.
Comment: This variant is not expected to cause loss of protein expression through nonsense-mediated decay, however a portion of the protein is disrupted. This variant is located in a genomic region of low or unreliable sequencing quality, and therefore estimations of its population frequency are uninformative in assessment of variant pathogenicity. In some published literature, this variant is referred to as p.Q481X. Assessment of experimental evidence suggests this variant results in abnormal protein function. (PMID: 24799024) In multiple individuals, this variant has been seen with a single recessive pathogenic variant in the same gene, suggesting this variant may also be pathogenic.

Clinical Genetics and Genomics, Karolinska University Hospital
Classification: Likely pathogenic. Last evaluated: 2014-08-15. Review status: criteria provided, single submitter. Criteria: ACMG Guidelines, 2015. Collection method: clinical testing. Allele origin: germline. Affected: yes. Observed: 2 variant alleles.

Literature cited by the submitters: PubMed 30048636 (cited by Athena Diagnostics); PubMed 32616876 (cited by Athena Diagnostics); PubMed 24799024 (cited by Athena Diagnostics); PubMed 32289882 (cited by Athena Diagnostics); PubMed 27966633 (cited by Athena Diagnostics).